The following is an entry in ClinVar:

ClinVar aggregate classification (germline): Conflicting classifications of pathogenicity. Review status: criteria provided, conflicting classifications (1 of 4 stars). 2 submissions from 2 submitters: Uncertain significance (1); Likely benign (1). Last evaluated 2025-02-12.

Conditions:
Hereditary cancer-predisposing syndrome. Also called: Hereditary Cancer Syndrome; Hereditary neoplastic syndrome; Tumor predisposition; Neoplastic Syndromes, Hereditary. Identifiers: Orphanet 140162, MedGen C0027672, MeSH D009386, MONDO:0015356.
EGFR-related lung cancer (EGFR). Identifiers: MedGen CN130014.

Allele frequency attached by ClinVar (database versions not stated): ExAC 0.00001; gnomAD 0.00002; gnomAD exomes 0.00002 and 0.00003; TOPMed 0.00002.
gnomAD v4.1: 25 of 1,612,260 alleles (0.0016%); highest among the groups gnomAD compares: Admixed American, 0.013%; no homozygotes.

Submissions (2):

Labcorp Genetics (formerly Invitae), Labcorp
Classification: Uncertain significance for EGFR-related lung cancer. Last evaluated: 2025-02-12. Review status: criteria provided, single submitter. Criteria: Invitae Variant Classification Sherloc (09022015). Collection method: clinical testing. Allele origin: germline.
Comment: This sequence change replaces asparagine, which is neutral and polar, with serine, which is neutral and polar, at codon 1112 of the EGFR protein (p.Asn1112Ser). This variant is present in population databases (rs755330584, gnomAD 0.02%). This variant has not been reported in the literature in individuals affected with EGFR-related conditions. ClinVar contains an entry for this variant (Variation ID: 842023). An algorithm developed to predict the effect of missense changes on protein structure and function outputs the following: PolyPhen-2: "Benign". The serine amino acid residue is found in multiple mammalian species, which suggests that this missense change does not adversely affect protein function. In summary, the available evidence is currently insufficient to determine the role of this variant in disease. Therefore, it has been classified as a Variant of Uncertain Significance.

Ambry Genetics
Classification: Likely benign for Hereditary cancer-predisposing syndrome. Last evaluated: 2024-12-19. Review status: criteria provided, single submitter. Criteria: Ambry Variant Classification Scheme 2023. Collection method: clinical testing. Allele origin: germline.

NM_005228.5(EGFR):c.3335A>G (p.Asn1112Ser)

Gene: EGFR (epidermal growth factor receptor; plus strand). Cytogenetic location: 7p11.2.
Variant type: single nucleotide variant.
Coding change: c.3335A>G on transcript NM_005228.5 (MANE Select); coding-DNA position 3335, A replaced by G.
Protein change: p.Asn1112Ser; replaces asparagine 1112 with serine.
Molecular consequence: missense variant.
Genome position (GRCh38, 1-based): chr7:55,205,319, A>G. VCF-style: chr7-55205319-A-G. GRCh37 (hg19) VCF-style: chr7-55273012-A-G.
Other names: c.3200A>G, p.Asn1067Ser (NM_001346899.2); c.3176A>G, p.Asn1059Ser (NM_001346900.2); c.2534A>G, p.Asn845Ser (NM_001346941.2); short protein forms N1059S, N1067S, N845S, N1112S.
Identifiers: ClinVar variation 842023 (VCV000842023.8), dbSNP rs755330584, ClinGen allele CA4266381.